The following is an entry in ClinVar:

NM_001191061.2(SLC25A22):c.880G>C (p.Val294Leu)

Gene: SLC25A22 (solute carrier family 25 member 22; minus strand). Cytogenetic location: 11p15.5.
Variant type: single nucleotide variant.
Coding change: c.880G>C on transcript NM_001191061.2 (MANE Select); coding-DNA position 880, G replaced by C.
Protein change: p.Val294Leu; replaces valine 294 with leucine.
Molecular consequence: missense variant.
Genome position (GRCh38, 1-based): chr11:792,007, C>G on the plus strand (G>C on the coding strand, the complement: SLC25A22 is on the minus strand). VCF-style: chr11-792007-C-G. GRCh37 (hg19) VCF-style: chr11-792007-C-G.
Other names: c.880G>C, p.Val294Leu (NM_001191060.2, NM_024698.6); short protein forms V294L.
Identifiers: ClinVar variation 835677 (VCV000835677.9), dbSNP rs1864546889, ClinGen allele CA378966868.

ClinVar aggregate classification (germline): Uncertain significance. Review status: criteria provided, multiple submitters, no conflicts (2 of 4 stars). 2 submissions from 2 submitters: Uncertain significance (2). Last evaluated 2026-02-02.

Conditions:
Early-infantile DEE. Also called: Ohtahara syndrome; Early infantile epileptic encephalopathy with suppression bursts; Early infantile epileptic encephalopathy. Identifiers: Orphanet 1934, MedGen C0393706, MONDO:0800491.

Allele frequency attached by ClinVar (database versions not stated): gnomAD exomes 0.00001.
gnomAD v4.1: 7 of 1,608,082 alleles (0.00044%); highest among the groups gnomAD compares: Non-Finnish European, 0.00059%; no homozygotes.

Submissions (2):

Labcorp Genetics (formerly Invitae), Labcorp
Classification: Uncertain significance for Early-infantile DEE. Last evaluated: 2026-02-02. Review status: criteria provided, single submitter. Criteria: Invitae Variant Classification Sherloc (09022015). Collection method: clinical testing. Allele origin: germline.
Comment: This sequence change replaces valine, which is neutral and non-polar, with leucine, which is neutral and non-polar, at codon 294 of the SLC25A22 protein (p.Val294Leu). This variant is not present in population databases (gnomAD no frequency). This variant has not been reported in the literature in individuals affected with SLC25A22-related conditions. ClinVar contains an entry for this variant (Variation ID: 835677). Invitae Evidence Modeling of protein sequence and biophysical properties (such as structural, functional, and spatial information, amino acid conservation, physicochemical variation, residue mobility, and thermodynamic stability) indicates that this missense variant is expected to disrupt SLC25A22 protein function with a positive predictive value of 80%. In summary, the available evidence is currently insufficient to determine the role of this variant in disease. Therefore, it has been classified as a Variant of Uncertain Significance.

Blueprint Genetics
Classification: Uncertain significance. Last evaluated: 2024-09-02. Review status: criteria provided, single submitter. Criteria: ACMG Guidelines, 2015. Collection method: clinical testing. Allele origin: germline.